The following is an entry in ClinVar:

NM_080605.4(B3GALT6):c.46C>T (p.Leu16=)

Gene: B3GALT6 (beta-1,3-galactosyltransferase 6; plus strand). Cytogenetic location: 1p36.33.
Variant type: single nucleotide variant.
Coding change: c.46C>T on transcript NM_080605.4 (MANE Select); coding-DNA position 46, C replaced by T.
Protein change: p.Leu16=; no amino-acid change (leucine 16 retained).
Molecular consequence: synonymous variant.
Genome position (GRCh38, 1-based): chr1:1,232,324, C>T. VCF-style: chr1-1232324-C-T. GRCh37 (hg19) VCF-style: chr1-1167704-C-T.
Other names: p.Leu16=.
Identifiers: ClinVar variation 391547 (VCV000391547.10), dbSNP rs1057524131, ClinGen allele CA16603409.

ClinVar aggregate classification (germline): Likely benign. Review status: criteria provided, multiple submitters, no conflicts (2 of 4 stars). 3 submissions from 3 submitters: Likely benign (3). Last evaluated 2026-02-01.

Conditions:
Spondyloepimetaphyseal dysplasia with joint laxity (SEMDJL). Identifiers: MedGen C0432243, MONDO:0019675.
Ehlers-Danlos syndrome, spondylodysplastic type, 2 (EDSSPD2). Also called: Ehlers-Danlos syndrome, progeroid type, 2. Identifiers: Orphanet 536467, Orphanet 75496, MedGen C3809210, MONDO:0014139, OMIM 615349.

Allele frequency attached by ClinVar (database versions not stated): gnomAD 0.00001; TOPMed 0.00001; gnomAD exomes 0.00004.

Submissions (3):

Labcorp Genetics (formerly Invitae), Labcorp
Classification: Likely benign for Ehlers-Danlos syndrome, spondylodysplastic type, 2; Spondyloepimetaphyseal dysplasia with joint laxity. Last evaluated: 2026-02-01. Review status: criteria provided, single submitter. Criteria: Invitae Variant Classification Sherloc (09022015). Collection method: clinical testing. Allele origin: germline.

Mayo Clinic Laboratories, Mayo Clinic
Classification: Likely benign. Last evaluated: 2025-03-19. Review status: criteria provided, single submitter. Criteria: ACMG Guidelines, 2015. Collection method: clinical testing. Allele origin: germline. Observed: 1 variant allele.
Comment: BP4, BP7

GeneDx
Classification: Likely benign. Last evaluated: 2016-12-09. Review status: criteria provided, single submitter. Criteria: GeneDx Variant Classification (06012015). Collection method: clinical testing. Allele origin: germline. Affected: yes.
Comment: This variant is considered likely benign or benign based on one or more of the following criteria: it is a conservative change, it occurs at a poorly conserved position in the protein, it is predicted to be benign by multiple in silico algorithms, and/or has population frequency not consistent with disease.